The following is an entry in ClinVar:

ClinVar aggregate classification (germline): Uncertain significance (1 of 4 stars; one submission).

Conditions:
Nemaline myopathy 5 (NEM5A). Also called: NEMALINE MYOPATHY, AMISH TYPE; NEMALINE MYOPATHY 5A, AUTOSOMAL RECESSIVE, SEVERE INFANTILE; Nemaline myopathy 5, Amish type. Identifiers: Orphanet 98902, MedGen C1854380, MONDO:0011539, OMIM 605355.

Allele frequency attached by ClinVar (database versions not stated): gnomAD below 0.00001 and 0.00001; gnomAD exomes 0.00002 and 0.00005; ExAC 0.00005.

Submission:

Labcorp Genetics (formerly Invitae), Labcorp
Classification: Uncertain significance for Nemaline myopathy 5. Last evaluated: 2019-05-08. Review status: criteria provided, single submitter. Criteria: Invitae Variant Classification Sherloc (09022015). Collection method: clinical testing. Allele origin: germline.
Comment: In summary, the available evidence is currently insufficient to determine the role of this variant in disease. Therefore, it has been classified as a Variant of Uncertain Significance. Nucleotide substitutions within the consensus splice site are a relatively common cause of aberrant splicing (PMID: 17576681, 9536098). Algorithms developed to predict the effect of sequence changes on RNA splicing suggest that this variant may disrupt the consensus splice site, but this prediction has not been confirmed by published transcriptional studies. This variant has not been reported in the literature in individuals with TNNT1-related conditions. This variant is present in population databases (rs780644788, ExAC 0.04%). This sequence change falls in intron 2 of the TNNT1 gene. It does not directly change the encoded amino acid sequence of the TNNT1 protein, but it affects a nucleotide within the consensus splice site of the intron.

Literature cited by the submitters: PubMed 17576681; PubMed 9536098.

NM_003283.6(TNNT1):c.32+4A>T

Gene: TNNT1 (troponin T1, slow skeletal type; minus strand). Cytogenetic location: 19q13.42.
Variant type: single nucleotide variant.
Coding change: c.32+4A>T on transcript NM_003283.6 (MANE Select); 4 bases into the intron after coding-DNA position 32, A replaced by T.
Molecular consequence: intron variant.
Genome position (GRCh38, 1-based): chr19:55,147,122, T>A on the plus strand (A>T on the coding strand, the complement: TNNT1 is on the minus strand). VCF-style: chr19-55147122-T-A. GRCh37 (hg19) VCF-style: chr19-55658490-T-A.
Other names: c.32+4A>T (NM_001126133.3, NM_001126132.3, NM_001291774.2).
Identifiers: ClinVar variation 952600 (VCV000952600.8), dbSNP rs780644788, ClinGen allele CA9667679.